The following is an entry in ClinVar:

ClinVar aggregate classification (germline): Likely benign (1 of 4 stars; one submission).

Allele frequency attached by ClinVar (database versions not stated): gnomAD exomes 0.00004; TOPMed 0.00004; ExAC 0.00008; gnomAD 0.00002.
gnomAD v4.1: 45 of 1,150,521 alleles (0.0039%); highest among the groups gnomAD compares: Non-Finnish European, 0.0051%; no homozygotes.

Submission:

CeGaT Center for Human Genetics Tuebingen
Classification: Likely benign. Last evaluated: 2022-07-01. Review status: criteria provided, single submitter. Criteria: CeGaT Center For Human Genetics Tuebingen Variant Classification Criteria Version 2. Collection method: clinical testing. Allele origin: germline. Affected: yes. Observed: 1 variant allele.
Comment: UPRT: BP4, BP7

NM_145052.4(UPRT):c.823+15A>C

Gene: UPRT (uracil phosphoribosyltransferase homolog; plus strand). Cytogenetic location: Xq13.3.
Variant type: single nucleotide variant.
Coding change: c.823+15A>C on transcript NM_145052.4 (MANE Select); 15 bases into the intron after coding-DNA position 823, A replaced by C.
Molecular consequence: intron variant. On other transcripts: synonymous variant (1).
Genome position (GRCh38, 1-based): chrX:75,300,980, A>C. VCF-style: chrX-75300980-A-C. GRCh37 (hg19) VCF-style: chrX-74520815-A-C.
Other names: c.838A>C, p.Arg280= (NM_001307944.1); c.415+15A>C (NM_001363821.1).
Identifiers: ClinVar variation 2660945 (VCV002660945.24), dbSNP rs768375040, ClinGen allele CA10455780.